The following is an entry in ClinVar:

NM_004260.4(RECQL4):c.911A>G (p.Gln304Arg)

Gene: RECQL4 (RecQ like helicase 4; minus strand). Cytogenetic location: 8q24.3.
Variant type: single nucleotide variant.
Coding change: c.911A>G on transcript NM_004260.4 (MANE Select); coding-DNA position 911, A replaced by G.
Protein change: p.Gln304Arg; replaces glutamine 304 with arginine.
Molecular consequence: missense variant.
Genome position (GRCh38, 1-based): chr8:144,516,208, T>C on the plus strand (A>G on the coding strand, the complement: RECQL4 is on the minus strand). VCF-style: chr8-144516208-T-C. GRCh37 (hg19) VCF-style: chr8-145741592-T-C.
Other names: c.911A>G (NM_004260.3); short protein forms Q304R.
Identifiers: ClinVar variation 1437219 (VCV001437219.4), dbSNP rs2130720006, ClinGen allele CA372688677.
Genomic context (GRCh38, chr8:144,516,208, plus strand): 5'-GGGCTGAGTCCGTGGTACCTGGGGTTCGATGGGCTGCTGCAGGGCTGAGGTGGCTGTGCC[T>C]GTACAGGTTCCCCTGGAGGGTCTTCCTCAACTGCTACAGCCCCAGCCCCCTCCGATGGGG-3'
Protein context (NP_004251.4, residues 294-314): VEEDPPGEPV[Gln304Arg]AQPPQPCSSP

ClinVar aggregate classification (germline): Uncertain significance. Review status: criteria provided, multiple submitters, no conflicts (2 of 4 stars). 2 submissions from 2 submitters: Uncertain significance (2). Last evaluated 2024-12-02.

Conditions:
Inborn genetic diseases. Identifiers: MedGen C0950123, MeSH D030342.
Baller-Gerold syndrome (BGS). Also called: CRANIOSYNOSTOSIS WITH RADIAL DEFECTS. Identifiers: Orphanet 1225, MedGen C0265308, MONDO:0009039, OMIM 218600.

Allele frequency attached by ClinVar (database versions not stated): gnomAD exomes below 0.00001.
gnomAD v4.1: 1 of 1,613,328 alleles (0.000062%); highest among the groups gnomAD compares: Non-Finnish European, 0.000085%; no homozygotes.

Submissions (2):

Ambry Genetics
Classification: Uncertain significance for Inborn genetic diseases. Last evaluated: 2024-12-02. Review status: criteria provided, single submitter. Criteria: Ambry Variant Classification Scheme 2023. Collection method: clinical testing. Allele origin: germline.
Comment: The p.Q304R variant (also known as c.911A>G), located in coding exon 5 of the RECQL4 gene, results from an A to G substitution at nucleotide position 911. The glutamine at codon 304 is replaced by arginine, an amino acid with highly similar properties. This amino acid position is conserved. In addition, this alteration is predicted to be tolerated by in silico analysis. Based on the available evidence, the clinical significance of this variant remains unclear.

Labcorp Genetics (formerly Invitae), Labcorp
Classification: Uncertain significance for Baller-Gerold syndrome. Last evaluated: 2022-01-27. Review status: criteria provided, single submitter. Criteria: Invitae Variant Classification Sherloc (09022015). Collection method: clinical testing. Allele origin: germline.
Comment: This sequence change replaces glutamine with arginine at codon 304 of the RECQL4 protein (p.Gln304Arg). The glutamine residue is moderately conserved and there is a small physicochemical difference between glutamine and arginine. This variant is not present in population databases (gnomAD no frequency). This variant has not been reported in the literature in individuals affected with RECQL4-related conditions. Experimental studies and prediction algorithms are not available or were not evaluated, and the functional significance of this variant is currently unknown. In summary, the available evidence is currently insufficient to determine the role of this variant in disease. Therefore, it has been classified as a Variant of Uncertain Significance.